The following is an entry in ClinVar:

ClinVar aggregate classification (germline): Pathogenic (1 of 4 stars; one submission).

Submission:

Labcorp Genetics (formerly Invitae), Labcorp
Classification: Pathogenic. Last evaluated: 2022-08-31. Review status: criteria provided, single submitter. Criteria: Invitae Variant Classification Sherloc (09022015). Collection method: clinical testing. Allele origin: germline.
Comment: This variant results in a copy number gain of the genomic region encompassing exon(s) 57-60 of the USH2A gene. While the exact position of this variant cannot be determined from the data, sub-genic copy number gains are generally in tandem (PMID: 25640679). This variant is predicted to be out-of-frame, and may result in an absent or disrupted protein product. Loss-of-function variants in USH2A are known to be pathogenic (PMID: 10729113, 10909849, 20507924, 25649381). A similar copy number variant has been observed in individuals with USH2A-related conditions (PMID: 25649381, 29655801; Invitae). This variant is also known as 11048-?_11711+?dup. For these reasons, this variant has been classified as Pathogenic.

Literature cited by the submitters: PubMed 25640679; PubMed 10729113; PubMed 10909849; PubMed 20507924; PubMed 25649381; PubMed 29655801.

NM_206933.2(USH2A):c.11048-?_11711+?dup

Gene: USH2A (usherin; minus strand). Cytogenetic location: 1q41.
Variant type: Duplication.
Coding change: c.11048-?_11711+?dup on transcript NM_206933.2.
Identifiers: ClinVar variation 989473 (VCV000989473.2).